The following is an entry in ClinVar:

ClinVar aggregate classification (germline): Uncertain significance. Review status: criteria provided, multiple submitters, no conflicts (2 of 4 stars). 2 submissions from 2 submitters: Uncertain significance (2). Last evaluated 2022-06-27.

Allele frequency attached by ClinVar (database versions not stated): gnomAD exomes below 0.00001.
gnomAD v4.1: 4 of 1,613,394 alleles (0.00025%); highest among the groups gnomAD compares: Middle Eastern, 0.033%; no homozygotes.

Submissions (2):

Labcorp Genetics (formerly Invitae), Labcorp
Classification: Uncertain significance. Last evaluated: 2022-06-27. Review status: criteria provided, single submitter. Criteria: Invitae Variant Classification Sherloc (09022015). Collection method: clinical testing. Allele origin: germline.
Comment: This sequence change replaces methionine, which is neutral and non-polar, with arginine, which is basic and polar, at codon 242 of the TAB2 protein (p.Met242Arg). This variant is not present in population databases (gnomAD no frequency). This variant has not been reported in the literature in individuals affected with TAB2-related conditions. Algorithms developed to predict the effect of missense changes on protein structure and function (SIFT, PolyPhen-2, Align-GVGD) all suggest that this variant is likely to be tolerated. In summary, the available evidence is currently insufficient to determine the role of this variant in disease. Therefore, it has been classified as a Variant of Uncertain Significance.

Blueprint Genetics
Classification: Uncertain significance. Last evaluated: 2021-09-19. Review status: criteria provided, single submitter. Criteria: ACMG Guidelines, 2015. Collection method: clinical testing. Allele origin: germline.

NM_001292034.3(TAB2):c.725T>G (p.Met242Arg)

Genes: TAB2 (TGF-beta activated kinase 1 (MAP3K7) binding protein 2; plus strand), LOC126859827 (BRD4-independent group 4 enhancer GRCh37_chr6:149699707-149700906; plus strand). Cytogenetic location: 6q25.1.
Variant type: single nucleotide variant.
Coding change: c.725T>G on transcript NM_001292034.3 (MANE Select); coding-DNA position 725, T replaced by G.
Protein change: p.Met242Arg; replaces methionine 242 with arginine.
Molecular consequence: missense variant.
Genome position (GRCh38, 1-based): chr6:149,378,640, T>G. VCF-style: chr6-149378640-T-G. GRCh37 (hg19) VCF-style: chr6-149699776-T-G.
Other names: c.629T>G, p.Met210Arg (NM_001292035.3); c.725T>G, p.Met242Arg (NM_001369506.1, NM_015093.6); short protein forms M242R, M210R.
Identifiers: ClinVar variation 2176915 (VCV002176915.2), dbSNP rs1781492686, ClinGen allele CA365996531.